The following is an entry in ClinVar:

ClinVar aggregate classification (germline): Uncertain significance (1 of 4 stars; one submission).

Conditions:
Cystic fibrosis (CF). Also called: MUCOVISCIDOSIS. Identifiers: Orphanet 586, MedGen C0010674, MONDO:0009061, OMIM 219700. Disease mechanism: loss of function.

Submission:

Ambry Genetics
Classification: Uncertain significance for Cystic fibrosis. Last evaluated: 2024-08-19. Review status: criteria provided, single submitter. Criteria: Ambry Variant Classification Scheme 2023. Collection method: clinical testing. Allele origin: germline.
Comment: The p.I344N variant (also known as c.1031T>A), located in coding exon 8 of the CFTR gene, results from a T to A substitution at nucleotide position 1031. The isoleucine at codon 344 is replaced by asparagine, an amino acid with dissimilar properties. This amino acid position is conserved. In addition, the in silico prediction for this alteration is inconclusive. Based on the available evidence, the clinical significance of this variant remains unclear.

NM_000492.4(CFTR):c.1031T>A (p.Ile344Asn)

Gene: CFTR (CF transmembrane conductance regulator; plus strand). Cytogenetic location: 7q31.2.
Variant type: single nucleotide variant.
Coding change: c.1031T>A on transcript NM_000492.4 (MANE Select); coding-DNA position 1031, T replaced by A.
Protein change: p.Ile344Asn; replaces isoleucine 344 with asparagine.
Molecular consequence: missense variant.
Genome position (GRCh38, 1-based): chr7:117,540,261, T>A. VCF-style: chr7-117540261-T-A. GRCh37 (hg19) VCF-style: chr7-117180315-T-A.
Other names: short protein forms I344N.
Identifiers: ClinVar variation 3491650 (VCV003491650.1).